The following is an entry in ClinVar:

ClinVar aggregate classification (germline): Conflicting classifications of pathogenicity. Review status: criteria provided, conflicting classifications (1 of 4 stars). 3 submissions from 3 submitters: Uncertain significance (2); Likely benign (1). Last evaluated 2024-06-14.

Conditions:
Hereditary cancer-predisposing syndrome. Also called: Hereditary neoplastic syndrome; Neoplastic Syndromes, Hereditary; Tumor predisposition; Hereditary Cancer Syndrome. Identifiers: Orphanet 140162, MedGen C0027672, MeSH D009386, MONDO:0015356.
Ataxia-telangiectasia syndrome (AT). Also called: LOUIS-BAR SYNDROME; Cerebello-oculocutaneous telangiectasia; Immunodeficiency with ataxia telangiectasia; AT, COMPLEMENTATION GROUP C; Ataxia-telangiectasia, complementation group D; ATAXIA-TELANGIECTASIA, COMPLEMENTATION GROUP A. Identifiers: Orphanet 100, MedGen C0004135, MONDO:0008840, OMIM 208900.

Allele frequency attached by ClinVar (database versions not stated): gnomAD exomes below 0.00001; TOPMed 0.00001.
gnomAD v4.1: 3 of 1,607,374 alleles (0.00019%); highest among the groups gnomAD compares: Non-Finnish European, 0.00025%; no homozygotes.

Submissions (3):

Ambry Genetics
Classification: Likely benign for Hereditary cancer-predisposing syndrome. Last evaluated: 2024-06-14. Review status: criteria provided, single submitter. Criteria: Ambry Variant Classification Scheme 2023. Collection method: clinical testing. Allele origin: germline.

Labcorp Genetics (formerly Invitae), Labcorp
Classification: Uncertain significance for Ataxia-telangiectasia syndrome. Last evaluated: 2024-04-10. Review status: criteria provided, single submitter. Criteria: Invitae Variant Classification Sherloc (09022015). Collection method: clinical testing. Allele origin: germline.
Comment: This sequence change replaces threonine, which is neutral and polar, with alanine, which is neutral and non-polar, at codon 297 of the ATM protein (p.Thr297Ala). This variant is present in population databases (no rsID available, gnomAD 0.0009%). This variant has not been reported in the literature in individuals affected with ATM-related conditions. ClinVar contains an entry for this variant (Variation ID: 482531). Algorithms developed to predict the effect of missense changes on protein structure and function output the following: SIFT: "Not Available"; PolyPhen-2: "Benign"; Align-GVGD: "Not Available". The alanine amino acid residue is found in multiple mammalian species, which suggests that this missense change does not adversely affect protein function. In summary, the available evidence is currently insufficient to determine the role of this variant in disease. Therefore, it has been classified as a Variant of Uncertain Significance.

Mayo Clinic Laboratories, Mayo Clinic
Classification: Uncertain significance. Last evaluated: 2023-03-03. Review status: criteria provided, single submitter. Criteria: ACMG Guidelines, 2015. Collection method: clinical testing. Allele origin: germline. Observed: 1 variant allele.
Comment: BP4, PM2

NM_000051.4(ATM):c.889A>G (p.Thr297Ala)

Gene: ATM (ATM serine/threonine kinase; plus strand). Cytogenetic location: 11q22.3.
Variant type: single nucleotide variant.
Coding change: c.889A>G on transcript NM_000051.4 (MANE Select); coding-DNA position 889, A replaced by G.
Protein change: p.Thr297Ala; replaces threonine 297 with alanine.
Molecular consequence: missense variant.
Genome position (GRCh38, 1-based): chr11:108,245,014, A>G. VCF-style: chr11-108245014-A-G. GRCh37 (hg19) VCF-style: chr11-108115741-A-G.
Other names: p.Thr297Ala; c.889A>G, p.Thr297Ala (NM_001351834.2); short protein forms T297A.
Identifiers: ClinVar variation 482531 (VCV000482531.9), dbSNP rs1340517984, ClinGen allele CA382529609.